The following is an entry in ClinVar:

NM_016627.5(AMZ2):c.594G>T (p.Gly198=)

Gene: AMZ2 (archaelysin family metallopeptidase 2; plus strand). Cytogenetic location: 17q24.2.
Variant type: single nucleotide variant.
Coding change: c.594G>T on transcript NM_016627.5 (MANE Select); coding-DNA position 594, G replaced by T.
Protein change: p.Gly198=; no amino-acid change (glycine 198 retained).
Molecular consequence: synonymous variant. On other transcripts: non-coding transcript variant (2).
Genome position (GRCh38, 1-based): chr17:68,254,411, G>T. VCF-style: chr17-68254411-G-T. GRCh37 (hg19) VCF-style: chr17-66250552-G-T.
Other names: c.594G>T, p.Gly198= (NM_001033569.2, NM_001033570.2, NM_001033571.1 and 12 more transcripts); c.420G>T, p.Gly140= (NM_001033574.2, NM_001346480.1); c.492G>T, p.Gly164= (NM_001346481.1, NM_001346482.1, NM_001346483.2 and 1 more transcripts); c.426G>T, p.Gly142= (NM_001346485.2).
Identifiers: ClinVar variation 3056812 (VCV003056812.2), dbSNP rs77962247, ClinGen allele CA8727591.

ClinVar aggregate classification (germline): Benign (0 of 4 stars; one submission).

Conditions:
AMZ2-related disorder. Also called: AMZ2-related condition.

Allele frequency attached by ClinVar (database versions not stated): 1000 Genomes Project 30x 0.01312; 1000 Genomes Project 0.01358; TOPMed 0.01524; ESP Exome Variant Server 0.01938; gnomAD 0.01991; ExAC 0.02406.
gnomAD v4.1: 40,956 of 1,611,720 alleles (2.5%); highest among the groups gnomAD compares: South Asian, 3.6%; 673 homozygotes.

Submission:

PreventionGenetics, part of Exact Sciences
Classification: Benign for AMZ2-related condition. Last evaluated: 2019-03-22. Review status: no assertion criteria provided. Collection method: clinical testing. Allele origin: germline.
Comment: This variant is classified as benign based on ACMG/AMP sequence variant interpretation guidelines (Richards et al. 2015 PMID: 25741868, with internal and published modifications).